The following is an entry in ClinVar:

ClinVar aggregate classification (germline): Uncertain significance (1 of 4 stars; one submission).

Conditions:
3-Oxo-5 alpha-steroid delta 4-dehydrogenase deficiency (PPSH). Also called: MALE PSEUDOHERMAPHRODITISM DUE TO 5-ALPHA-REDUCTASE DEFICIENCY; PSEUDOVAGINAL PERINEOSCROTAL HYPOSPADIAS; FAMILIAL INCOMPLETE MALE PSEUDOHERMAPHRODITISM, TYPE 2; 46,XY disorder of sex development due to 5-alpha-reductase 2 deficiency. Identifiers: Orphanet 753, MedGen C0268297, MONDO:0009923, OMIM 264600. Disease mechanism: loss of function.

Submission:

Labcorp Genetics (formerly Invitae), Labcorp
Classification: Uncertain significance for 3-Oxo-5 alpha-steroid delta 4-dehydrogenase deficiency. Last evaluated: 2017-06-08. Review status: criteria provided, single submitter. Criteria: Invitae Variant Classification Sherloc (09022015). Collection method: clinical testing. Allele origin: germline.
Comment: This variant is not present in population databases (ExAC no frequency). In summary, this variant has uncertain impact on SRD5A2 function. The available evidence is currently insufficient to determine its role in disease. Therefore, it has been classified as a Variant of Uncertain Significance. Algorithms developed to predict the effect of missense changes on protein structure and function do not agree on the potential impact of this missense change (SIFT: "Tolerated"; PolyPhen-2: "Probably Damaging"; Align-GVGD: "Class C15). This variant has not been reported in the literature in individuals with a SRD5A2-related disease. This sequence change replaces tyrosine with aspartic acid at codon 129 of the SRD5A2 protein (p.Tyr129Asp). The tyrosine residue is highly conserved and there is a large physicochemical difference between tyrosine and aspartic acid.

NM_000348.4(SRD5A2):c.385T>G (p.Tyr129Asp)

Gene: SRD5A2 (steroid 5 alpha-reductase 2; minus strand). Cytogenetic location: 2p23.1.
Variant type: single nucleotide variant.
Coding change: c.385T>G on transcript NM_000348.4 (MANE Select); coding-DNA position 385, T replaced by G.
Protein change: p.Tyr129Asp; replaces tyrosine 129 with aspartic acid.
Molecular consequence: missense variant.
Genome position (GRCh38, 1-based): chr2:31,533,663, A>C on the plus strand (T>G on the coding strand, the complement: SRD5A2 is on the minus strand). VCF-style: chr2-31533663-A-C. GRCh37 (hg19) VCF-style: chr2-31758733-A-C.
Other names: short protein forms Y129D.
Identifiers: ClinVar variation 459637 (VCV000459637.7), dbSNP rs1553324169, ClinGen allele CA346598532.